The following is an entry in ClinVar:

ClinVar aggregate classification (germline): Conflicting classifications of pathogenicity. Review status: criteria provided, conflicting classifications (1 of 4 stars). 11 submissions from 11 submitters: Uncertain significance (3); Benign (2); Likely benign (4). 2 of the submissions do not count toward it. Last evaluated 2026-08-01.

Conditions:
Cardiovascular phenotype. Identifiers: MedGen CN230736.
Distal myopathy with posterior leg and anterior hand involvement. Also called: WILLIAMS DISTAL MYOPATHY. Identifiers: Orphanet 63273, MedGen C3279722, MONDO:0013550, OMIM 614065.
Hypertrophic cardiomyopathy 26. Also called: Cardiomyopathy, familial hypertrophic, 26. Identifiers: Orphanet 75249, MedGen C4310749, MONDO:0014883, OMIM 617047.
Myofibrillar myopathy 5. Also called: Filaminopathy (type); FILAMINOPATHY, AUTOSOMAL DOMINANT. Identifiers: Orphanet 171445, MedGen C1836050, MONDO:0012289, OMIM 609524.
FLNC-related disorder. Also called: FLNC-related condition; FLNC-related disorders.

Allele frequency attached by ClinVar (database versions not stated): gnomAD exomes 0.00006; ExAC 0.00007; ESP Exome Variant Server 0.00008; TOPMed 0.00008; gnomAD 0.00009; 1000 Genomes Project 0.00020; 1000 Genomes Project 30x 0.00031.
gnomAD v4.1: 161 of 1,614,200 alleles (0.01%); highest among the groups gnomAD compares: East Asian, 0.022%; no homozygotes.

Submissions (11):

CeGaT Center for Human Genetics Tuebingen
Classification: Likely benign. Last evaluated: 2026-08-01. Review status: criteria provided, single submitter. Criteria: CeGaT Center For Human Genetics Tuebingen Variant Classification Criteria Version 2. Collection method: clinical testing. Allele origin: germline. Affected: yes. Observed: 3 variant alleles.
Comment: FLNC: BP4, BP7

Women's Health and Genetics/Laboratory Corporation of America, LabCorp
Classification: Benign. Last evaluated: 2026-06-12. Review status: criteria provided, single submitter. Criteria: LabCorp Variant Classification Summary - May 2015. Collection method: clinical testing. Allele origin: germline.

Labcorp Genetics (formerly Invitae), Labcorp
Classification: Benign for Distal myopathy with posterior leg and anterior hand involvement; Myofibrillar myopathy 5; Hypertrophic cardiomyopathy 26. Last evaluated: 2026-01-14. Review status: criteria provided, single submitter. Criteria: Invitae Variant Classification Sherloc (09022015). Collection method: clinical testing. Allele origin: germline.

PreventionGenetics, part of Exact Sciences
Classification: Likely benign for FLNC-related condition. Last evaluated: 2025-10-21. Review status: criteria provided, single submitter. Criteria: ACMG Guidelines, 2015. Collection method: clinical testing. Allele origin: germline.
Comment: This variant is classified as likely benign based on ACMG/AMP sequence variant interpretation guidelines (Richards et al. 2015 PMID: 25741868, with internal and published modifications).

Molecular Diagnostic Laboratory for Inherited Cardiovascular Disease, Montreal Heart Institute
Classification: Likely benign. Last evaluated: 2025-04-09. Review status: criteria provided, single submitter. Criteria: ACMG Guidelines, 2015. Collection method: clinical testing. Allele origin: germline. Affected: no.
Comment: BP5;BP7

Fulgent Genetics
Classification: Uncertain significance for Myofibrillar myopathy 5; Distal myopathy with posterior leg and anterior hand involvement; Hypertrophic cardiomyopathy 26. Last evaluated: 2021-11-24. Review status: criteria provided, single submitter. Criteria: ACMG Guidelines, 2015. Collection method: clinical testing. Allele origin: unknown.

Mayo Clinic Laboratories, Mayo Clinic
Classification: Uncertain significance. Last evaluated: 2021-09-14. Review status: criteria provided, single submitter. Criteria: ACMG Guidelines, 2015. Collection method: clinical testing. Allele origin: germline.

Ambry Genetics
Classification: Likely benign for Cardiovascular phenotype. Last evaluated: 2020-10-06. Review status: criteria provided, single submitter. Criteria: Ambry Variant Classification Scheme 2023. Collection method: clinical testing. Allele origin: germline.

GeneDx
Classification: Uncertain significance. Last evaluated: 2020-02-24. Review status: criteria provided, single submitter. Criteria: GeneDx Variant Classification Process June 2021. Collection method: clinical testing. Allele origin: germline. Affected: yes.
Comment: Has not been previously published as pathogenic or benign to our knowledge; Reported in ClinVar as a variant of uncertain significance (ClinVar Variant ID# 471982; Landrum et al., 2016); In-silico analysis, which includes splice predictors and evolutionary conservation, is inconclusive as to whether the variant alters gene splicing; in the absence of RNA/functional studies, the actual effect of this sequence change is unknown

Genome Diagnostics Laboratory, University Medical Center Utrecht
Classification: Uncertain significance. Review status: no assertion criteria provided. Collection method: clinical testing. Allele origin: germline. Affected: yes. Study: VKGL Data-share Consensus. Not counted in ClinVar's aggregate classification.

Joint Genome Diagnostic Labs from Nijmegen and Maastricht, Radboudumc and MUMC+
Classification: Uncertain significance. Review status: no assertion criteria provided. Collection method: clinical testing. Allele origin: germline. Affected: yes. Study: VKGL Data-share Consensus. Not counted in ClinVar's aggregate classification.

NM_001458.5(FLNC):c.1605C>T (p.Cys535=)

Gene: FLNC (filamin C; plus strand). Cytogenetic location: 7q32.1.
Variant type: single nucleotide variant.
Coding change: c.1605C>T on transcript NM_001458.5 (MANE Select); coding-DNA position 1605, C replaced by T.
Protein change: p.Cys535=; no amino-acid change (cysteine 535 retained).
Molecular consequence: synonymous variant.
Genome position (GRCh38, 1-based): chr7:128,840,603, C>T. VCF-style: chr7-128840603-C-T. GRCh37 (hg19) VCF-style: chr7-128480657-C-T.
Other names: p.Cys535=; c.1605C>T, p.Cys535= (NM_001127487.2).
Identifiers: ClinVar variation 471982 (VCV000471982.36), dbSNP rs199976790, ClinGen allele CA4474408.